The following is an entry in ClinVar:

NM_001999.4(FBN2):c.1105G>T (p.Gly369Cys)

Gene: FBN2 (fibrillin 2; minus strand). Cytogenetic location: 5q23.3.
Variant type: single nucleotide variant.
Coding change: c.1105G>T on transcript NM_001999.4 (MANE Select); coding-DNA position 1105, G replaced by T.
Protein change: p.Gly369Cys; replaces glycine 369 with cysteine.
Molecular consequence: missense variant.
Genome position (GRCh38, 1-based): chr5:128,395,248, C>A on the plus strand (G>T on the coding strand, the complement: FBN2 is on the minus strand). VCF-style: chr5-128395248-C-A. GRCh37 (hg19) VCF-style: chr5-127730941-C-A.
Other names: short protein forms G369C.
Identifiers: ClinVar variation 2577366 (VCV002577366.2), dbSNP rs2479443749, ClinGen allele CA360751003.

ClinVar aggregate classification (germline): Uncertain significance. Review status: criteria provided, multiple submitters, no conflicts (2 of 4 stars). 2 submissions from 2 submitters: Uncertain significance (2). Last evaluated 2026-04-18.

Conditions:
Familial thoracic aortic aneurysm and aortic dissection (TAAD). Also called: Thoracic aortic aneurysms and dissections. Identifiers: Orphanet 91387, MedGen C4707243, MONDO:0019625.

Allele frequency attached by ClinVar (database versions not stated): gnomAD exomes below 0.00001.

Submissions (2):

Ambry Genetics
Classification: Uncertain significance for Familial thoracic aortic aneurysm and aortic dissection. Last evaluated: 2026-04-18. Review status: criteria provided, single submitter. Criteria: Ambry Variant Classification Scheme 2023. Collection method: clinical testing. Allele origin: germline.
Comment: The p.G369C variant (also known as c.1105G>T), located in coding exon 9 of the FBN2 gene, results from a G to T substitution at nucleotide position 1105. The glycine at codon 369 is replaced by cysteine, an amino acid with highly dissimilar properties. This amino acid position is conserved. In addition, the in silico prediction for this alteration is inconclusive. Based on the available evidence, the clinical significance of this variant remains unclear.

Women's Health and Genetics/Laboratory Corporation of America, LabCorp
Classification: Uncertain significance. Last evaluated: 2023-07-21. Review status: criteria provided, single submitter. Criteria: LabCorp Variant Classification Summary - May 2015. Collection method: clinical testing. Allele origin: germline.